The following is an entry in ClinVar:

NM_001042750.2(STAG2):c.976G>C (p.Asp326His)

Gene: STAG2 (STAG2 cohesin complex component; plus strand). Cytogenetic location: Xq25.
Variant type: single nucleotide variant.
Coding change: c.976G>C on transcript NM_001042750.2 (MANE Select); coding-DNA position 976, G replaced by C.
Protein change: p.Asp326His; replaces aspartic acid 326 with histidine.
Molecular consequence: missense variant.
Genome position (GRCh38, 1-based): chrX:124,050,268, G>C. VCF-style: chrX-124050268-G-C. GRCh37 (hg19) VCF-style: chrX-123184118-G-C.
Other names: c.976G>C, p.Asp326His (NM_001042749.2, NM_001042751.2, NM_001282418.2 and 13 more transcripts); short protein forms D326H.
Identifiers: ClinVar variation 2833674 (VCV002833674.3), dbSNP rs2521414543, ClinGen allele CA414276902.

ClinVar aggregate classification (germline): Uncertain significance (1 of 4 stars; one submission).

Submission:

Labcorp Genetics (formerly Invitae), Labcorp
Classification: Uncertain significance. Last evaluated: 2023-02-01. Review status: criteria provided, single submitter. Criteria: Invitae Variant Classification Sherloc (09022015). Collection method: clinical testing. Allele origin: germline.
Comment: This sequence change replaces aspartic acid, which is acidic and polar, with histidine, which is basic and polar, at codon 326 of the STAG2 protein (p.Asp326His). This variant is not present in population databases (gnomAD no frequency). This variant has not been reported in the literature in individuals affected with STAG2-related conditions. Advanced modeling of protein sequence and biophysical properties (such as structural, functional, and spatial information, amino acid conservation, physicochemical variation, residue mobility, and thermodynamic stability) performed at Invitae indicates that this missense variant is expected to disrupt STAG2 protein function. In summary, the available evidence is currently insufficient to determine the role of this variant in disease. Therefore, it has been classified as a Variant of Uncertain Significance.